The following is an entry in ClinVar:

ClinVar aggregate classification (germline): Pathogenic. Review status: criteria provided, multiple submitters, no conflicts (2 of 4 stars). 4 submissions from 4 submitters: Pathogenic (4). Last evaluated 2026-04-30.

Conditions:
Hereditary cancer-predisposing syndrome. Also called: Neoplastic Syndromes, Hereditary; Hereditary neoplastic syndrome; Tumor predisposition; Hereditary Cancer Syndrome. Identifiers: Orphanet 140162, MedGen C0027672, MeSH D009386, MONDO:0015356.
Malignant tumor of breast. Also called: Malignant breast neoplasm; Cancer breast. Identifiers: MedGen C0006142, MONDO:0007254. Disease mechanism: loss of function.
Familial cancer of breast. Also called: hereditary breast carcinoma; Hereditary breast cancer; BREAST CANCER, FAMILIAL. Identifiers: Orphanet 227535, MedGen C0346153, MONDO:0016419, OMIM 114480. Disease mechanism: loss of function.
Ataxia-telangiectasia syndrome (AT). Also called: Ataxia telangiectasia (A-T); Cerebello-oculocutaneous telangiectasia; Immunodeficiency with ataxia telangiectasia; LOUIS-BAR SYNDROME; AT, COMPLEMENTATION GROUP C; ATAXIA-TELANGIECTASIA, FRESNO VARIANT. Identifiers: Orphanet 100, MedGen C0004135, MONDO:0008840, OMIM 208900.

Submissions (4):

Ambry Genetics
Classification: Pathogenic for Hereditary cancer-predisposing syndrome. Last evaluated: 2026-04-30. Review status: criteria provided, single submitter. Criteria: Ambry Variant Classification Scheme 2023. Collection method: clinical testing. Allele origin: germline.
Comment: The p.Y2521* pathogenic mutation (also known as c.7563C>G), located in coding exon 50 of the ATM gene, results from a C to G substitution at nucleotide position 7563. This changes the amino acid from a tyrosine to a stop codon within coding exon 50. While in silico splice site analysis predicts that this alteration will result in the creation or strengthening of a novel splice acceptor site, RNA studies have demonstrated that this variant does not result in abnormal splicing in the set of samples tested (Ambry internal data). This variant is considered to be rare based on population cohorts in the Genome Aggregation Database (gnomAD). This alteration is expected to result in loss of function by premature protein truncation or nonsense-mediated mRNA decay. As such, this alteration is interpreted as a disease-causing mutation.

Women's Health and Genetics/Laboratory Corporation of America, LabCorp
Classification: Pathogenic for Malignant tumor of breast. Last evaluated: 2024-05-23. Review status: criteria provided, single submitter. Criteria: LabCorp Variant Classification Summary - May 2015. Collection method: clinical testing. Allele origin: germline.
Comment: Variant summary: ATM c.7563C>G (p.Tyr2521X) results in a premature termination codon, predicted to cause absence of the protein due to nonsense mediated decay, which is a commonly known mechanism for disease. The variant was absent in 251276 control chromosomes. c.7563C>G has been reported in the literature in one individual affected with Breast Cancer (Hauke_2018). These data do not allow any conclusion about variant significance. To our knowledge, no experimental evidence demonstrating an impact on protein function has been reported. The following publication have been ascertained in the context of this evaluation (PMID: 29522266). ClinVar contains an entry for this variant (Variation ID: 236776). Based on the evidence outlined above, the variant was classified as pathogenic.

Myriad Genetics, Inc.
Classification: Pathogenic for Familial cancer of breast. Last evaluated: 2024-01-31. Review status: criteria provided, single submitter. Criteria: Myriad Autosomal Dominant, Autosomal Recessive and X-Linked Classification Criteria (2023). Collection method: clinical testing. Allele origin: unknown.
Comment: This variant is considered pathogenic. This variant creates a termination codon and is predicted to result in premature protein truncation.

Labcorp Genetics (formerly Invitae), Labcorp
Classification: Pathogenic for Ataxia-telangiectasia syndrome. Last evaluated: 2019-11-16. Review status: criteria provided, single submitter. Criteria: Invitae Variant Classification Sherloc (09022015). Collection method: clinical testing. Allele origin: germline.
Comment: This sequence change creates a premature translational stop signal (p.Tyr2521*) in the ATM gene. It is expected to result in an absent or disrupted protein product. This variant is not present in population databases (ExAC no frequency). This variant has not been reported in the literature in individuals with ATM-related conditions. ClinVar contains an entry for this variant (Variation ID: 236776). Loss-of-function variants in ATM are known to be pathogenic (PMID: 23807571, 25614872). For these reasons, this variant has been classified as Pathogenic.

Literature cited by the submitters: PubMed 29522266 (cited by Women's Health and Genetics/Laboratory Corporation of America, LabCorp); PubMed 23807571 (cited by Labcorp Genetics (formerly Invitae), Labcorp); PubMed 25614872 (cited by Labcorp Genetics (formerly Invitae), Labcorp).

NM_000051.4(ATM):c.7563C>G (p.Tyr2521Ter)

Genes: ATM (ATM serine/threonine kinase; plus strand), C11orf65 (chromosome 11 open reading frame 65; minus strand). Cytogenetic location: 11q22.3.
Variant type: single nucleotide variant.
Coding change: c.7563C>G on transcript NM_000051.4 (MANE Select); coding-DNA position 7563, C replaced by G.
Protein change: p.Tyr2521Ter; replaces tyrosine 2521 with a stop codon.
Molecular consequence: nonsense. On other transcripts: intron variant (2), non-coding transcript variant (1).
Genome position (GRCh38, 1-based): chr11:108,331,491, C>G. VCF-style: chr11-108331491-C-G. GRCh37 (hg19) VCF-style: chr11-108202218-C-G.
Other names: c.7563C>G, p.Tyr2521Ter (NM_001351834.2); c.641-22420G>C (NM_001330368.2); c.*38+3729G>C (NM_001351110.2); short protein forms Y2521*.
Identifiers: ClinVar variation 236776 (VCV000236776.13), dbSNP rs772228129, ClinGen allele CA10582854.